The following is an entry in ClinVar:

ClinVar aggregate classification (germline): Uncertain significance (1 of 4 stars; one submission).

Conditions:
Hypertrophic cardiomyopathy. Also called: HYPERTROPHIC MYOCARDIOPATHY. Identifiers: Orphanet 217569, MedGen C0007194, MeSH D002312, MONDO:0005045, HP:0001639.

Submission:

Labcorp Genetics (formerly Invitae), Labcorp
Classification: Uncertain significance for Hypertrophic cardiomyopathy. Last evaluated: 2022-03-23. Review status: criteria provided, single submitter. Criteria: Invitae Variant Classification Sherloc (09022015). Collection method: clinical testing. Allele origin: germline.
Comment: This variant is not present in population databases (gnomAD no frequency). In summary, the available evidence is currently insufficient to determine the role of this variant in disease. Therefore, it has been classified as a Variant of Uncertain Significance. Algorithms developed to predict the effect of missense changes on protein structure and function are either unavailable or do not agree on the potential impact of this missense change (SIFT: "Deleterious"; PolyPhen-2: "Probably Damaging"; Align-GVGD: "Class C0"). ClinVar contains an entry for this variant (Variation ID: 659010). This variant has not been reported in the literature in individuals affected with MYH7-related conditions. This sequence change replaces glutamic acid, which is acidic and polar, with aspartic acid, which is acidic and polar, at codon 1825 of the MYH7 protein (p.Glu1825Asp).

NM_000257.4(MYH7):c.5475G>T (p.Glu1825Asp)

Gene: MYH7 (myosin heavy chain 7; minus strand). Cytogenetic location: 14q11.2.
Variant type: single nucleotide variant.
Coding change: c.5475G>T on transcript NM_000257.4 (MANE Select); coding-DNA position 5475, G replaced by T.
Protein change: p.Glu1825Asp; replaces glutamic acid 1825 with aspartic acid.
Molecular consequence: missense variant.
Genome position (GRCh38, 1-based): chr14:23,415,079, C>A on the plus strand (G>T on the coding strand, the complement: MYH7 is on the minus strand). VCF-style: chr14-23415079-C-A. GRCh37 (hg19) VCF-style: chr14-23884288-C-A.
Other names: short protein forms E1825D.
Identifiers: ClinVar variation 659010 (VCV000659010.8), dbSNP rs1353101205, ClinGen allele CA389035226.
Genomic context (GRCh38, chr14:23,415,079, plus strand): 5'-CCGCTCGCTCTTCCTCATGCCCTTCACCGACTCTGCGTTGCGCTTCTGCTCGGCCTCCAG[C>A]TCATTCTCCAGCTCCCGCACCCGCGCTTCCAGCTTCTGCAGCTGCTTCTTGCCGCCCTTG-3'
Protein context (NP_000248.2, residues 1815-1835): LEARVRELEN[Glu1825Asp]LEAEQKRNAE